The following is an entry in ClinVar:

NM_004393.6(DAG1):c.1410A>T (p.Arg470Ser)

Gene: DAG1 (dystroglycan 1; plus strand). Cytogenetic location: 3p21.31.
Variant type: single nucleotide variant.
Coding change: c.1410A>T on transcript NM_004393.6 (MANE Select); coding-DNA position 1410, A replaced by T.
Protein change: p.Arg470Ser; replaces arginine 470 with serine.
Molecular consequence: missense variant.
Genome position (GRCh38, 1-based): chr3:49,531,921, A>T. VCF-style: chr3-49531921-A-T. GRCh37 (hg19) VCF-style: chr3-49569354-A-T.
Other names: c.1410A>T, p.Arg470Ser (NM_001165928.4, NM_001177634.3, NM_001177635.3 and 9 more transcripts); short protein forms R470S.
Identifiers: ClinVar variation 2014889 (VCV002014889.4), dbSNP rs2472627425, ClinGen allele CA352795328.
Genomic context (GRCh38, chr3:49,531,921, plus strand): 5'-CAAGAAACCACGGACACCCCGGCCAGTGCCCCGGGTCACCACCAAAGTTTCCATCACCAG[A>T]TTGGAAACTGCCTCACCGCCTACTCGTATTCGCACCACCACCAGTGGAGTGCCCCGTGGC-3'
Protein context (NP_004384.5, residues 460-480): PRVTTKVSIT[Arg470Ser]LETASPPTRI

ClinVar aggregate classification (germline): Uncertain significance (1 of 4 stars; one submission).

Conditions:
Muscular dystrophy-dystroglycanopathy (congenital with brain and eye anomalies), type A9. Also called: Muscular dystrophy-dystroglycanopathy (congenital with brain and eye anomalies), type a, 9; WALKER-WARBURG SYNDROME OR MUSCLE-EYE BRAIN DISEASE, DAG1-RELATED. Identifiers: Orphanet 370997, Orphanet 899, MedGen C4225291, MONDO:0014683, OMIM 616538.
Autosomal recessive limb-girdle muscular dystrophy type 2P. Also called: Limb-Girdle Muscular Dystrophy Type 9C; MUSCULAR DYSTROPHY, LIMB-GIRDLE, TYPE 2P; MUSCULAR DYSTROPHY-DYSTROGLYCANOPATHY, LIMB-GIRDLE, DAG1-RELATED. Identifiers: Orphanet 280333, MedGen C4511963, MONDO:0013440, OMIM 613818.

Allele frequency attached by ClinVar (database versions not stated): gnomAD exomes below 0.00001.
gnomAD v4.1: 3 of 1,614,130 alleles (0.00019%); highest among the groups gnomAD compares: Non-Finnish European, 0.00025%; no homozygotes.

Submission:

Labcorp Genetics (formerly Invitae), Labcorp
Classification: Uncertain significance for Autosomal recessive limb-girdle muscular dystrophy type 2P; Muscular dystrophy-dystroglycanopathy (congenital with brain and eye anomalies), type A9. Last evaluated: 2022-07-07. Review status: criteria provided, single submitter. Criteria: Invitae Variant Classification Sherloc (09022015). Collection method: clinical testing. Allele origin: germline.
Comment: This sequence change replaces arginine, which is basic and polar, with serine, which is neutral and polar, at codon 470 of the DAG1 protein (p.Arg470Ser). This variant is not present in population databases (gnomAD no frequency). This variant has not been reported in the literature in individuals affected with DAG1-related conditions. Algorithms developed to predict the effect of missense changes on protein structure and function (SIFT, PolyPhen-2, Align-GVGD) all suggest that this variant is likely to be tolerated. In summary, the available evidence is currently insufficient to determine the role of this variant in disease. Therefore, it has been classified as a Variant of Uncertain Significance.